The following is an entry in ClinVar:

NM_004260.4(RECQL4):c.2040G>A (p.Met680Ile)

Gene: RECQL4 (RecQ like helicase 4; minus strand). Cytogenetic location: 8q24.3.
Variant type: single nucleotide variant.
Coding change: c.2040G>A on transcript NM_004260.4 (MANE Select); coding-DNA position 2040, G replaced by A.
Protein change: p.Met680Ile; replaces methionine 680 with isoleucine.
Molecular consequence: missense variant.
Genome position (GRCh38, 1-based): chr8:144,513,946, C>T on the plus strand (G>A on the coding strand, the complement: RECQL4 is on the minus strand). VCF-style: chr8-144513946-C-T. GRCh37 (hg19) VCF-style: chr8-145739330-C-T.
Other names: short protein forms M680I.
Identifiers: ClinVar variation 459366 (VCV000459366.11), dbSNP rs1474548278, ClinGen allele CA372680259.
Genomic context (GRCh38, chr8:144,513,946, plus strand): 5'-GCAGCCAGGGCCCTGCAGGGTCCCCAGAGCACACACACCCACCTGGTCTGTGTCCCTGTC[C>T]ATGGACACGGAAAGGTGCAGGTTGGTGGGAACTGGGGCTGGCCCGTGGAGGTCAGGCTCT-3'
Protein context (NP_004251.4, residues 670-690): VPTNLHLSVS[Met680Ile]DRDTDQALLT

ClinVar aggregate classification (germline): Uncertain significance. Review status: criteria provided, multiple submitters, no conflicts (2 of 4 stars). 3 submissions from 3 submitters: Uncertain significance (3). Last evaluated 2025-07-14.

Conditions:
Inborn genetic diseases. Identifiers: MedGen C0950123, MeSH D030342.
Baller-Gerold syndrome (BGS). Also called: CRANIOSYNOSTOSIS WITH RADIAL DEFECTS. Identifiers: Orphanet 1225, MedGen C0265308, MONDO:0009039, OMIM 218600.

Allele frequency attached by ClinVar (database versions not stated): TOPMed 0.00002.

Submissions (3):

Labcorp Genetics (formerly Invitae), Labcorp
Classification: Uncertain significance for Baller-Gerold syndrome. Last evaluated: 2025-07-14. Review status: criteria provided, single submitter. Criteria: Invitae Variant Classification Sherloc (09022015). Collection method: clinical testing. Allele origin: germline.
Comment: This sequence change replaces methionine, which is neutral and non-polar, with isoleucine, which is neutral and non-polar, at codon 680 of the RECQL4 protein (p.Met680Ile). This variant is not present in population databases (gnomAD no frequency). This variant has not been reported in the literature in individuals affected with RECQL4-related conditions. ClinVar contains an entry for this variant (Variation ID: 459366). Invitae Evidence Modeling of protein sequence and biophysical properties (such as structural, functional, and spatial information, amino acid conservation, physicochemical variation, residue mobility, and thermodynamic stability) indicates that this missense variant is not expected to disrupt RECQL4 protein function with a negative predictive value of 80%. In summary, the available evidence is currently insufficient to determine the role of this variant in disease. Therefore, it has been classified as a Variant of Uncertain Significance.

Ambry Genetics
Classification: Uncertain significance for Inborn genetic diseases. Last evaluated: 2024-12-16. Review status: criteria provided, single submitter. Criteria: Ambry Variant Classification Scheme 2023. Collection method: clinical testing. Allele origin: germline.
Comment: The p.M680I variant (also known as c.2040G>A), located in coding exon 12 of the RECQL4 gene, results from a G to A substitution at nucleotide position 2040. The methionine at codon 680 is replaced by isoleucine, an amino acid with highly similar properties. This amino acid position is conserved. In addition, this alteration is predicted to be tolerated by in silico analysis. Based on the available evidence, the clinical significance of this variant remains unclear.

GeneDx
Classification: Uncertain significance. Last evaluated: 2020-01-28. Review status: criteria provided, single submitter. Criteria: GeneDx Variant Classification Process June 2021. Collection method: clinical testing. Allele origin: germline. Affected: yes.
Comment: In silico analysis, which includes protein predictors and evolutionary conservation, supports that this variant does not alter protein structure/function; Has not been previously published as pathogenic or benign to our knowledge